The following is an entry in ClinVar:

NM_018082.6(POLR3B):c.73-3C>T

Gene: POLR3B (RNA polymerase III subunit B; plus strand). Cytogenetic location: 12q23.3.
Variant type: single nucleotide variant.
Coding change: c.73-3C>T on transcript NM_018082.6 (MANE Select); 3 bases into the intron before coding-DNA position 73, C replaced by T.
Molecular consequence: intron variant.
Genome position (GRCh38, 1-based): chr12:106,363,867, C>T. VCF-style: chr12-106363867-C-T. GRCh37 (hg19) VCF-style: chr12-106757645-C-T.
Other names: c.-102-3C>T (NM_001160708.2).
Identifiers: ClinVar variation 1706979 (VCV001706979.3), dbSNP rs772074660, ClinGen allele CA6761584.
Genomic context (GRCh38, chr12:106,363,867, plus strand): 5'-ATAACTTATGAAAGTACTGTTGCTGGTACAGAGTTCTGATATTCTTCTTGTTTTGGCTCA[C>T]AGGAAAAATGGAGGCTGCTTCCAGCATTTTTAAAGGTAATTGTTTCACATTTAATAATAA-3'

ClinVar aggregate classification (germline): Uncertain significance. Review status: criteria provided, multiple submitters, no conflicts (2 of 4 stars). 2 submissions from 2 submitters: Uncertain significance (2). Last evaluated 2022-03-22.

Conditions:
Intellectual disability. Also called: intellectual disabilities; Intellectual functioning disability; Intellectual developmental disorder. Identifiers: MedGen C3714756, MeSH D008607, MONDO:0001071, HP:0001249.

Allele frequency attached by ClinVar (database versions not stated): ExAC 0.00002; gnomAD 0.00001; gnomAD exomes 0.00003.
gnomAD v4.1: 42 of 1,606,542 alleles (0.0026%); highest among the groups gnomAD compares: Non-Finnish European, 0.0032%; no homozygotes.

Submissions (2):

GeneDx
Classification: Uncertain significance. Last evaluated: 2022-03-22. Review status: criteria provided, single submitter. Criteria: GeneDx Variant Classification Process June 2021. Collection method: clinical testing. Allele origin: germline. Affected: yes.
Comment: In silico analysis supports that this variant does not alter splicing; Has not been previously published as pathogenic or benign to our knowledge

Cambridge Genomics Laboratory, East Genomic Laboratory Hub, NHS Genomic Medicine Service
Classification: Uncertain significance for Intellectual disability. Last evaluated: 2020-05-29. Review status: criteria provided, single submitter. Criteria: ACGS Best Practice Guidelines for Variant Classification in Rare Disease 2020. Collection method: clinical testing. Allele origin: germline. Affected: yes. Observed: 1 variant allele.